The following is an entry in ClinVar:

NM_000090.4(COL3A1):c.2402G>A (p.Gly801Asp)

Genes: COL3A1 (collagen type III alpha 1 chain; plus strand), LOC126806446 (P300/CBP strongly-dependent group 1 enhancer GRCh37_chr2:189866210-189867409; plus strand). Cytogenetic location: 2q32.2.
Variant type: single nucleotide variant.
Coding change: c.2402G>A on transcript NM_000090.4 (MANE Select); coding-DNA position 2402, G replaced by A.
Protein change: p.Gly801Asp; replaces glycine 801 with aspartic acid.
Molecular consequence: missense variant.
Genome position (GRCh38, 1-based): chr2:189,002,308, G>A. VCF-style: chr2-189002308-G-A. GRCh37 (hg19) VCF-style: chr2-189867034-G-A.
Identifiers: ClinVar variation 101449 (VCV000101449.3), dbSNP rs587779689, ClinGen allele CA005363.

ClinVar aggregate classification (germline): Pathogenic. Review status: criteria provided, single submitter (1 of 4 stars). 2 submissions from 2 submitters: Pathogenic (1). 1 of the submissions does not count toward it. Last evaluated 2020-07-02.

Conditions:
Ehlers-Danlos syndrome, dominant type 4. Also called: Autosomal dominant Ehlers-Danlos syndrome, vascular type. Identifiers: MedGen C0268339, MONDO:0007524.
Ehlers-Danlos syndrome, type 4 (EDSVASC). Also called: Ehlers-Danlos syndrome vascular type; Ehlers Danlos syndrome, ecchymotic type; Ehlers Danlos syndrome, arterial type; Ehlers Danlos syndrome, Sack-Barabas type; Ehlers-Danlos Syndrome Type IV. Identifiers: Orphanet 286, MedGen C0268338, MONDO:0017314, OMIM 130050.

Submissions (2):

Victorian Clinical Genetics Services, Murdoch Childrens Research Institute
Classification: Pathogenic for Ehlers-Danlos syndrome, dominant type 4. Last evaluated: 2020-07-02. Review status: criteria provided, single submitter. Criteria: ACMG Guidelines, 2015. Collection method: clinical testing. Allele origin: germline. Affected: yes.
Comment: Based on the classification scheme VCGS_Germline_v1.3.3, this variant is classified as Pathogenic. Following criteria are met: 0103 - Dominant negative and loss of function are known mechanisms of disease in this gene and are associated with vascular Ehlers-Danlos syndrome. Haploinsufficiency as a result of null alleles appears to confer delayed onset, and milder clinical course (PMID: 2934645; 21637106). While dominant-negative is the mechanism for missense variants affecting glycine residues in the Gly-X-Y repeat within the triple helical region (PMID: 2934645). (I) 0108 - This gene is associated with both recessive and dominant disease. Vascular Ehlers-Danlos syndrome (EDS), AD; Polymicrogyria with or without vascular EDS, AR (OMIM). (I) 0200 - Variant is predicted to result in a missense amino acid change from glycine to aspartic acid. (I) 0251 - This variant is heterozygous. (I) 0301 - Variant is absent from gnomAD (both v2 and v3). (SP) 0501 - Missense variant consistently predicted to be damaging by multiple in silico tools or highly conserved with a major amino acid change. (SP) 0601 - Variant is located in the well-established functional collagen triple helix domain and affecting the glycine of the G-X-Y repeats (PDB). (SP) 0705 - No comparable missense variants have previous evidence for pathogenicity. (I) 0802 - This variant has moderate previous evidence of pathogenicity in unrelated individuals. This variant has been reported in 3 patients with vascular Ehlers-Danlos syndrome (PMID: 17210404, 24922459, 31891008). (SP) 0905 - No published segregation evidence has been identified for this variant. (I) 1007 - No published functional evidence has been identified for this variant. (I) Legend: (SP) - Supporting pathogenic, (I) - Information, (SB) - Supporting benign

Collagen Diagnostic Laboratory, University of Washington
Classification: Pathogenic for Ehlers-Danlos syndrome, type 4. Review status: no assertion criteria provided. Collection method: clinical testing. Allele origin: germline. Affected: yes. Not counted in ClinVar's aggregate classification.

Literature cited by the submitters: PubMed 17210404 (cited by Victorian Clinical Genetics Services, Murdoch Childrens Research Institute); PubMed 24922459 (cited by Victorian Clinical Genetics Services, Murdoch Childrens Research Institute); PubMed 31891008 (cited by Victorian Clinical Genetics Services, Murdoch Childrens Research Institute); PubMed 2934645 (cited by Victorian Clinical Genetics Services, Murdoch Childrens Research Institute).